The following is an entry in ClinVar:

ClinVar aggregate classification (germline): Uncertain significance (1 of 4 stars; one submission).

Conditions:
Hypertrophic cardiomyopathy. Also called: HYPERTROPHIC MYOCARDIOPATHY. Identifiers: Orphanet 217569, MedGen C0007194, MeSH D002312, MONDO:0005045, HP:0001639.

Submission:

Labcorp Genetics (formerly Invitae), Labcorp
Classification: Uncertain significance for Hypertrophic cardiomyopathy. Last evaluated: 2016-10-21. Review status: criteria provided, single submitter. Criteria: Invitae Variant Classification Sherloc (09022015). Collection method: clinical testing. Allele origin: germline.
Comment: Algorithms developed to predict the effect of sequence changes on RNA splicing suggest that this variant may alter RNA splicing, but this prediction has not been confirmed by published transcriptional studies. In summary, this variant is a novel missense change with uncertain impact on splicing and protein function. It has been classified as a Variant of Uncertain Significance. Algorithms developed to predict the effect of missense changes on protein structure and function do not agree on the potential impact of this missense change (SIFT: "Deleterious"; PolyPhen-2: "Possibly Damaging"; Align-GVGD: "Class C0"). This variant is not present in population databases (ExAC no frequency) and has not been reported in the literature in individuals with a MYH7-related disease. This sequence change replaces leucine with valine at codon 1020 of the MYH7 protein (p.Leu1020Val). The leucine residue is highly conserved and there is a small physicochemical difference between leucine and valine.

NM_000257.4(MYH7):c.3058C>G (p.Leu1020Val)

Gene: MYH7 (myosin heavy chain 7; minus strand). Cytogenetic location: 14q11.2.
Variant type: single nucleotide variant.
Coding change: c.3058C>G on transcript NM_000257.4 (MANE Select); coding-DNA position 3058, C replaced by G.
Protein change: p.Leu1020Val; replaces leucine 1020 with valine.
Molecular consequence: missense variant.
Genome position (GRCh38, 1-based): chr14:23,423,588, G>C on the plus strand (C>G on the coding strand, the complement: MYH7 is on the minus strand). VCF-style: chr14-23423588-G-C. GRCh37 (hg19) VCF-style: chr14-23892797-G-C.
Other names: short protein forms L1020V.
Identifiers: ClinVar variation 407180 (VCV000407180.8), dbSNP rs751904168, ClinGen allele CA16614405.